The following is an entry in ClinVar:

NM_020778.5(ALPK3):c.3088del (p.Leu1030fs)

Gene: ALPK3 (alpha kinase 3; plus strand). Cytogenetic location: 15q25.3.
Variant type: Deletion.
Coding change: c.3088del on transcript NM_020778.5 (MANE Select); coding-DNA position 3088, one base deleted (C; older notation c.3088delC).
Protein change: p.Leu1030fs; shifts the reading frame from leucine 1030.
Molecular consequence: frameshift variant.
Genome position (GRCh38, 1-based): chr15:84,857,826, C deleted; the last of 3 consecutive C bases (chr15:84,857,824-84,857,826); deleting any one gives the same sequence. VCF-style (leftmost placement, unchanged base first): chr15-84857823-AC-A. GRCh37 (hg19) VCF-style: chr15-85401054-AC-A.
Other names: short protein forms L1030fs.
Identifiers: ClinVar variation 3646938 (VCV003646938.4).

ClinVar aggregate classification (germline): Pathogenic/Likely pathogenic. Review status: criteria provided, multiple submitters, no conflicts (2 of 4 stars). 2 submissions from 2 submitters: Pathogenic (1); Likely pathogenic (1). Last evaluated 2024-03-20.

Conditions:
Cardiomyopathy, familial hypertrophic 27. Identifiers: MedGen C4748014, MONDO:0054838, OMIM 618052.

Submissions (2):

Labcorp Genetics (formerly Invitae), Labcorp
Classification: Pathogenic. Last evaluated: 2024-03-20. Review status: criteria provided, single submitter. Criteria: Invitae Variant Classification Sherloc (09022015). Collection method: clinical testing. Allele origin: germline.
Comment: This sequence change creates a premature translational stop signal (p.Leu1232Cysfs*3) in the ALPK3 gene. It is expected to result in an absent or disrupted protein product. Loss-of-function variants in ALPK3 are known to be pathogenic (PMID: 21441111, 26846950, 27106955, 34263907). This variant is not present in population databases (gnomAD no frequency). This variant has not been reported in the literature in individuals affected with ALPK3-related conditions. For these reasons, this variant has been classified as Pathogenic.

Juno Genomics, Hangzhou Juno Genomics, Inc
Classification: Likely pathogenic for Cardiomyopathy, familial hypertrophic 27. Review status: criteria provided, single submitter. Criteria: ACMG Guidelines, 2015. Collection method: clinical testing. Allele origin: germline.
Comment: Null variant in a gene where loss of function (LOF) is a known mechanism of disease.;Absent from controls (or at extremely low frequency if recessive) in Genome Aggregation Database.

Literature cited by the submitters: PubMed 21441111 (cited by Labcorp Genetics (formerly Invitae), Labcorp); PubMed 26846950 (cited by Labcorp Genetics (formerly Invitae), Labcorp); PubMed 27106955 (cited by Labcorp Genetics (formerly Invitae), Labcorp); PubMed 34263907 (cited by Labcorp Genetics (formerly Invitae), Labcorp).